The following is an entry in ClinVar:

ClinVar aggregate classification (germline): Uncertain significance (1 of 4 stars; one submission).

Conditions:
Hereditary cancer-predisposing syndrome. Also called: Neoplastic Syndromes, Hereditary; Tumor predisposition; Hereditary neoplastic syndrome; Hereditary Cancer Syndrome. Identifiers: Orphanet 140162, MedGen C0027672, MeSH D009386, MONDO:0015356.

Submission:

Ambry Genetics
Classification: Uncertain significance for Hereditary cancer-predisposing syndrome. Last evaluated: 2023-01-17. Review status: criteria provided, single submitter. Criteria: Ambry Variant Classification Scheme 2023. Collection method: clinical testing. Allele origin: germline.
Comment: The p.N314T variant (also known as c.941A>C), located in coding exon 9 of the PMS2 gene, results from an A to C substitution at nucleotide position 941. The asparagine at codon 314 is replaced by threonine, an amino acid with similar properties. This amino acid position is conserved. In addition, the in silico prediction for this alteration is inconclusive. Since supporting evidence is limited at this time, the clinical significance of this alteration remains unclear.

NM_000535.7(PMS2):c.941A>C (p.Asn314Thr)

Gene: PMS2 (PMS1 homolog 2, mismatch repair system component; minus strand). Cytogenetic location: 7p22.1.
Variant type: single nucleotide variant.
Coding change: c.941A>C on transcript NM_000535.7 (MANE Select); coding-DNA position 941, A replaced by C.
Protein change: p.Asn314Thr; replaces asparagine 314 with threonine.
Molecular consequence: missense variant. On other transcripts: non-coding transcript variant (1), intron variant (1).
Genome position (GRCh38, 1-based): chr7:5,992,020, T>G on the plus strand (A>C on the coding strand, the complement: PMS2 is on the minus strand). VCF-style: chr7-5992020-T-G. GRCh37 (hg19) VCF-style: chr7-6031651-T-G.
Other names: c.536A>C, p.Asn179Thr (NM_001018040.1, NM_001322003.2, NM_001322004.2 and 20 more transcripts); c.941A>C, p.Asn314Thr (NM_001322006.2, NM_001322014.2, NM_001406870.1 and 2 more transcripts); c.623A>C, p.Asn208Thr (NM_001322007.2, NM_001322008.2, NM_001406876.1 and 4 more transcripts); c.8A>C, p.Asn3Thr (NM_001322011.2, NM_001322012.2); c.368A>C, p.Asn123Thr (NM_001322013.2, NM_001406909.1); c.632A>C, p.Asn211Thr (NM_001322015.2, NM_001406875.1, NM_001406877.1 and 6 more transcripts); c.1127A>C, p.Asn376Thr (NM_001406866.1); c.965A>C, p.Asn322Thr (NM_001406868.1); and 8 more; short protein forms N123T, N211T, N314T, N57T, N143T, N179T, N248T, N322T.
Identifiers: ClinVar variation 2451612 (VCV002451612.2), dbSNP rs2128755717, ClinGen allele CA366743150.